The following is an entry in ClinVar:

ClinVar aggregate classification (germline): Uncertain significance. Review status: criteria provided, multiple submitters, no conflicts (2 of 4 stars). 2 submissions from 2 submitters: Uncertain significance (2). Last evaluated 2025-11-24.

Allele frequency attached by ClinVar (database versions not stated): TOPMed 0.00003; gnomAD 0.00001; gnomAD exomes 0.00001.
gnomAD v4.1: 18 of 1,612,126 alleles (0.0011%); highest among the groups gnomAD compares: Admixed American, 0.012%; no homozygotes.

Submissions (2):

Labcorp Genetics (formerly Invitae), Labcorp
Classification: Uncertain significance. Last evaluated: 2025-11-24. Review status: criteria provided, single submitter. Criteria: Invitae Variant Classification Sherloc (09022015). Collection method: clinical testing. Allele origin: germline.
Comment: This sequence change replaces serine, which is neutral and polar, with leucine, which is neutral and non-polar, at codon 92 of the BMP2 protein (p.Ser92Leu). This variant is present in population databases (no rsID available, gnomAD 0.01%). This variant has not been reported in the literature in individuals affected with BMP2-related conditions. ClinVar contains an entry for this variant (Variation ID: 287729). An algorithm developed to predict the effect of missense changes on protein structure and function (PolyPhen-2) suggests that this variant is likely to be tolerated. In summary, the available evidence is currently insufficient to determine the role of this variant in disease. Therefore, it has been classified as a Variant of Uncertain Significance.

Eurofins Ntd Llc (ga)
Classification: Uncertain significance. Last evaluated: 2016-05-13. Review status: criteria provided, single submitter. Criteria: EGL Classification Definitions 2015. Collection method: clinical testing. Allele origin: germline. Observed: 1 variant allele, 1 heterozygote.

NM_001200.4(BMP2):c.275C>T (p.Ser92Leu)

Gene: BMP2 (bone morphogenetic protein 2; plus strand). Cytogenetic location: 20p12.3.
Variant type: single nucleotide variant.
Coding change: c.275C>T on transcript NM_001200.4 (MANE Select); coding-DNA position 275, C replaced by T.
Protein change: p.Ser92Leu; replaces serine 92 with leucine.
Molecular consequence: missense variant.
Genome position (GRCh38, 1-based): chr20:6,770,401, C>T. VCF-style: chr20-6770401-C-T. GRCh37 (hg19) VCF-style: chr20-6751048-C-T.
Other names: short protein forms S92L.
Identifiers: ClinVar variation 287729 (VCV000287729.10), dbSNP rs886043711, ClinGen allele CA10605852.